The following is an entry in ClinVar:

ClinVar aggregate classification (germline): Uncertain significance (1 of 4 stars; one submission).

gnomAD v4.1: 6 of 1,614,070 alleles (0.00037%); highest among the groups gnomAD compares: East Asian, 0.0067%; no homozygotes.

Submission:

Dasa
Classification: Uncertain significance. Last evaluated: 2025-11-04. Review status: criteria provided, single submitter. Criteria: DASA Assertion Criteria. Collection method: clinical testing. Allele origin: germline.
Comment: NM_001846.4(COL4A2):c.2834G>A (p.Ser945Asn) is a missense variant that results in the substitution of serine with asparagine. This variant is rare in population databases. Computational prediction algorithms are consistent with a benign effect. The currently available literature and clinical evidence are not sufficient to establish a definitive association between this variant and the reported condition. Therefore, this variant is classified as a variant of uncertain significance.

NM_001846.4(COL4A2):c.2834G>A (p.Ser945Asn)

Gene: COL4A2 (collagen type IV alpha 2 chain; plus strand). Cytogenetic location: 13q34.
Variant type: single nucleotide variant.
Coding change: c.2834G>A on transcript NM_001846.4 (MANE Select); coding-DNA position 2834, G replaced by A.
Protein change: p.Ser945Asn; replaces serine 945 with asparagine.
Molecular consequence: missense variant.
Genome position (GRCh38, 1-based): chr13:110,482,591, G>A. VCF-style: chr13-110482591-G-A. GRCh37 (hg19) VCF-style: chr13-111134938-G-A.
Other names: short protein forms S945N.
Identifiers: ClinVar variation 4882894 (VCV004882894.2).